The following is an entry in ClinVar:

NM_001083111.2(GNRH1):c.73C>G (p.His25Asp)

Gene: GNRH1 (gonadotropin releasing hormone 1; minus strand). Cytogenetic location: 8p21.2.
Variant type: single nucleotide variant.
Coding change: c.73C>G on transcript NM_001083111.2 (MANE Select); coding-DNA position 73, C replaced by G.
Protein change: p.His25Asp; replaces histidine 25 with aspartic acid.
Molecular consequence: missense variant.
Genome position (GRCh38, 1-based): chr8:25,423,258, G>C on the plus strand (C>G on the coding strand, the complement: GNRH1 is on the minus strand). VCF-style: chr8-25423258-G-C. GRCh37 (hg19) VCF-style: chr8-25280774-G-C.
Other names: c.85C>G, p.His29Asp (NM_000825.3); short protein forms H25D, H29D.
Identifiers: ClinVar variation 2001975 (VCV002001975.4), dbSNP rs2486975346, ClinGen allele CA370774182.

ClinVar aggregate classification (germline): Uncertain significance (1 of 4 stars; one submission).

Submission:

Labcorp Genetics (formerly Invitae), Labcorp
Classification: Uncertain significance. Last evaluated: 2022-12-07. Review status: criteria provided, single submitter. Criteria: Invitae Variant Classification Sherloc (09022015). Collection method: clinical testing. Allele origin: germline.
Comment: In summary, the available evidence is currently insufficient to determine the role of this variant in disease. Therefore, it has been classified as a Variant of Uncertain Significance. Algorithms developed to predict the effect of missense changes on protein structure and function are either unavailable or do not agree on the potential impact of this missense change (SIFT: "Deleterious"; PolyPhen-2: "Not Available"; Align-GVGD: "Class C65"). This missense change has been observed in individual(s) with GNRH1-related conditions (Invitae). It has also been observed to segregate with disease in related individuals. This variant is not present in population databases (gnomAD no frequency). This sequence change replaces histidine, which is basic and polar, with aspartic acid, which is acidic and polar, at codon 29 of the GNRH1 protein (p.His29Asp).